The following is an entry in ClinVar:

NM_173494.2(DNAAF6):c.429+1G>T

Gene: DNAAF6 (dynein axonemal assembly factor 6; plus strand). Cytogenetic location: Xq22.3.
Variant type: single nucleotide variant.
Coding change: c.429+1G>T on transcript NM_173494.2 (MANE Select); the canonical splice donor site of the intron after coding-DNA position 429, G replaced by T.
Molecular consequence: splice donor variant.
Genome position (GRCh38, 1-based): chrX:107,222,842, G>T. VCF-style: chrX-107222842-G-T. GRCh37 (hg19) VCF-style: chrX-106466072-G-T.
Other names: c.429+1G>T (NM_001169154.2).
Identifiers: ClinVar variation 2778413 (VCV002778413.4), dbSNP rs2522795828, ClinGen allele CA413889489.

ClinVar aggregate classification (germline): Pathogenic (1 of 4 stars; one submission).

Submissions (2):

Labcorp Genetics (formerly Invitae), Labcorp
Classification: Pathogenic. Last evaluated: 2023-02-08. Review status: criteria provided, single submitter. Criteria: Invitae Variant Classification Sherloc (09022015). Collection method: clinical testing. Allele origin: germline.
Comment: For these reasons, this variant has been classified as Pathogenic. This sequence change affects a donor splice site in intron 6 of the PIH1D3 gene. It is expected to disrupt RNA splicing. Variants that disrupt the donor or acceptor splice site typically lead to a loss of protein function (PMID: 16199547), and loss-of-function variants in PIH1D3 are known to be pathogenic (PMID: 28041644, 28176794). This variant is not present in population databases (gnomAD no frequency). Disruption of this splice site has been observed in individual(s) with clinical features of PIH1D3-related conditions (Invitae). Algorithms developed to predict the effect of sequence changes on RNA splicing suggest that this variant may disrupt the consensus splice site.

Dr. Peter K. Rogan Lab, Western University
No classification provided (evidence only). Condition: Thyroid cancer, nonmedullary, 1. Review status: no classification provided. Collection method: in vitro. Allele origin: not applicable. Functional consequence: retained intron. Not counted in ClinVar's aggregate classification.

Literature cited by the submitters: PubMed 16199547 (cited by Labcorp Genetics (formerly Invitae), Labcorp); PubMed 28041644 (cited by Labcorp Genetics (formerly Invitae), Labcorp); PubMed 28176794 (cited by Labcorp Genetics (formerly Invitae), Labcorp).